The following is an entry in ClinVar:

ClinVar aggregate classification (germline): Uncertain significance (1 of 4 stars; one submission).

gnomAD v4.1: 3 of 1,614,054 alleles (0.00019%); highest among the groups gnomAD compares: Middle Eastern, 0.033%; no homozygotes.

Submission:

Labcorp Genetics (formerly Invitae), Labcorp
Classification: Uncertain significance. Last evaluated: 2024-12-30. Review status: criteria provided, single submitter. Criteria: Invitae Variant Classification Sherloc (09022015). Collection method: clinical testing. Allele origin: germline.
Comment: This sequence change replaces glycine, which is neutral and non-polar, with alanine, which is neutral and non-polar, at codon 25 of the SYT2 protein (p.Gly25Ala). This variant is not present in population databases (gnomAD no frequency). This variant has not been reported in the literature in individuals affected with SYT2-related conditions. An algorithm developed to predict the effect of missense changes on protein structure and function outputs the following: PolyPhen-2: "Benign". The alanine amino acid residue is found in multiple mammalian species, which suggests that this missense change does not adversely affect protein function. In summary, the available evidence is currently insufficient to determine the role of this variant in disease. Therefore, it has been classified as a Variant of Uncertain Significance.

NM_177402.5(SYT2):c.74G>C (p.Gly25Ala)

Gene: SYT2 (synaptotagmin 2; minus strand). Cytogenetic location: 1q32.1.
Variant type: single nucleotide variant.
Coding change: c.74G>C on transcript NM_177402.5 (MANE Select); coding-DNA position 74, G replaced by C.
Protein change: p.Gly25Ala; replaces glycine 25 with alanine.
Molecular consequence: missense variant.
Genome position (GRCh38, 1-based): chr1:202,605,699, C>G on the plus strand (G>C on the coding strand, the complement: SYT2 is on the minus strand). VCF-style: chr1-202605699-C-G. GRCh37 (hg19) VCF-style: chr1-202574827-C-G.
Other names: c.74G>C, p.Gly25Ala (NM_001136504.1); short protein forms G25A.
Identifiers: ClinVar variation 3609184 (VCV003609184.2).